The following is an entry in ClinVar:

ClinVar aggregate classification (germline): Pathogenic. Review status: criteria provided, multiple submitters, no conflicts (2 of 4 stars). 2 submissions from 2 submitters: Pathogenic (2). Last evaluated 2023-08-17.

Conditions:
Chédiak-Higashi syndrome (CHS). Also called: Chediak-Higashi Syndrome. Identifiers: Orphanet 167, MedGen C0007965, MONDO:0008963, OMIM 214500.

Submissions (2):

Baylor Genetics
Classification: Pathogenic for Chédiak-Higashi syndrome. Last evaluated: 2023-08-17. Review status: criteria provided, single submitter. Criteria: ACMG Guidelines, 2015. Collection method: clinical testing. Allele origin: unknown.

Labcorp Genetics (formerly Invitae), Labcorp
Classification: Pathogenic for Chédiak-Higashi syndrome. Last evaluated: 2023-03-07. Review status: criteria provided, single submitter. Criteria: Invitae Variant Classification Sherloc (09022015). Collection method: clinical testing. Allele origin: germline.
Comment: This sequence change creates a premature translational stop signal (p.Tyr672*) in the LYST gene. It is expected to result in an absent or disrupted protein product. Loss-of-function variants in LYST are known to be pathogenic (PMID: 9215679, 11857544). This variant is not present in population databases (gnomAD no frequency). This premature translational stop signal has been observed in individual(s) with oculocutaneous albinism (PMID: 32542393). For these reasons, this variant has been classified as Pathogenic.

Literature cited by the submitters: PubMed 9215679 (cited by Labcorp Genetics (formerly Invitae), Labcorp); PubMed 11857544 (cited by Labcorp Genetics (formerly Invitae), Labcorp); PubMed 32542393 (cited by Labcorp Genetics (formerly Invitae), Labcorp).

NM_000081.4(LYST):c.2015dup (p.Tyr672Ter)

Gene: LYST (lysosomal trafficking regulator; minus strand). Cytogenetic location: 1q42.3.
Variant type: Duplication.
Coding change: c.2015dup on transcript NM_000081.4 (MANE Select); coding-DNA position 2015, one base duplicated (A; older notation c.2015dupA).
Protein change: p.Tyr672Ter; replaces tyrosine 672 with a stop codon.
Molecular consequence: nonsense.
Genome position (GRCh38, 1-based): chr1:235,808,803, T duplicated on the plus strand (A on the coding strand, the reverse complement: LYST is on the minus strand). VCF-style (leftmost placement, unchanged base first): chr1-235808802-G-GT. GRCh37 (hg19) VCF-style: chr1-235972102-G-GT.
Other names: c.2015dup, p.Tyr672Ter (NM_001301365.1); short protein forms Y672*.
Identifiers: ClinVar variation 2676344 (VCV002676344.4), dbSNP rs2527106533, ClinGen allele CA2586968469.